The following is an entry in ClinVar:

NM_000138.5(FBN1):c.4607del (p.Leu1536fs)

Gene: FBN1 (fibrillin 1; minus strand). Cytogenetic location: 15q21.1.
Variant type: Deletion.
Coding change: c.4607del on transcript NM_000138.5 (MANE Select); coding-DNA position 4607, one base deleted (T; older notation c.4607delT).
Protein change: p.Leu1536fs; shifts the reading frame from leucine 1536.
Molecular consequence: frameshift variant.
Genome position (GRCh38, 1-based): chr15:48,468,078, A deleted on the plus strand (T on the coding strand, the reverse complement: FBN1 is on the minus strand); the first of 3 consecutive A bases (chr15:48,468,078-48,468,080); deleting any one gives the same sequence. VCF-style (leftmost placement, unchanged base first): chr15-48468077-CA-C. GRCh37 (hg19) VCF-style: chr15-48760274-CA-C.
Other names: c.4607delT (NM_000138.4); short protein forms L1536fs.
Identifiers: ClinVar variation 495612 (VCV000495612.1), dbSNP rs1555397173, ClinGen allele CA658683896.

ClinVar aggregate classification (germline): Likely pathogenic (1 of 4 stars; one submission).

Conditions:
Marfan Syndrome/Loeys-Dietz Syndrome/Familial Thoracic Aortic Aneurysms and Dissections. Identifiers: MedGen CN229799.

Submission:

Women's Health and Genetics/Laboratory Corporation of America, LabCorp
Classification: Likely pathogenic for Marfan Syndrome/Loeys-Dietz Syndrome/Familial Thoracic Aortic Aneurysms and Dissections. Last evaluated: 2016-04-06. Review status: criteria provided, single submitter. Criteria: LabCorp Variant Classification Summary - May 2015. Collection method: clinical testing. Allele origin: germline.
Comment: Variant Summary: The variant of interest causes a frameshift resulting in a predicted truncated FBN1 protein, a known mechanism for disease. The variant of interest was not observed in controls (ExAC, 1000 Gs or ESP), nor has it been, to our knowledge, reported in affected individuals via publications and/or reputable clinical laboratories/databases. Therefore, taking all available lines of evidence into consideration, the variant of interest is classified as likely pathogenic until additional information becomes available.